The following is an entry in ClinVar:

ClinVar aggregate classification (germline): Uncertain significance (1 of 4 stars; one submission).

Allele frequency attached by ClinVar (database versions not stated): gnomAD exomes below 0.00001; ExAC 0.00001.
gnomAD v4.1: 4 of 1,614,038 alleles (0.00025%); highest among the groups gnomAD compares: South Asian, 0.0044%; no homozygotes.

Submission:

Labcorp Genetics (formerly Invitae), Labcorp
Classification: Uncertain significance. Last evaluated: 2020-03-23. Review status: criteria provided, single submitter. Criteria: Invitae Variant Classification Sherloc (09022015). Collection method: clinical testing. Allele origin: germline.
Comment: Nucleotide substitutions within the consensus splice site are a relatively common cause of aberrant splicing (PMID: 17576681, 9536098). Algorithms developed to predict the effect of sequence changes on RNA splicing suggest that this variant may disrupt the consensus splice site, but this prediction has not been confirmed by published transcriptional studies. Algorithms developed to predict the effect of missense changes on protein structure and function are either unavailable or do not agree on the potential impact of this missense change (SIFT: "Tolerated"; PolyPhen-2: "Possibly Damaging"; Align-GVGD: "Class C0"). This variant has not been reported in the literature in individuals with HSPG2-related conditions. This sequence change replaces glycine with serine at codon 320 of the HSPG2 protein (p.Gly320Ser). The glycine residue is moderately conserved and there is a small physicochemical difference between glycine and serine. This variant also falls at the last nucleotide of exon 8 of the HSPG2 coding sequence, which is part of the consensus splice site for this exon. In summary, the available evidence is currently insufficient to determine the role of this variant in disease. Therefore, it has been classified as a Variant of Uncertain Significance. This variant is present in population databases (rs780370430, ExAC 0.006%).

Literature cited by the submitters: PubMed 17576681; PubMed 9536098.

NM_005529.7(HSPG2):c.958G>A (p.Gly320Ser)

Gene: HSPG2 (heparan sulfate proteoglycan 2; minus strand). Cytogenetic location: 1p36.12.
Variant type: single nucleotide variant.
Coding change: c.958G>A on transcript NM_005529.7 (MANE Select); coding-DNA position 958, G replaced by A.
Protein change: p.Gly320Ser; replaces glycine 320 with serine.
Molecular consequence: missense variant.
Genome position (GRCh38, 1-based): chr1:21,887,420, C>T on the plus strand (G>A on the coding strand, the complement: HSPG2 is on the minus strand). VCF-style: chr1-21887420-C-T. GRCh37 (hg19) VCF-style: chr1-22213913-C-T.
Other names: c.958G>A, p.Gly320Ser (NM_001291860.2); short protein forms G320S.
Identifiers: ClinVar variation 1004728 (VCV001004728.8), dbSNP rs780370430, ClinGen allele CA673650.